The following is an entry in ClinVar:

NM_153676.4(USH1C):c.216G>A (p.Val72=)

Gene: USH1C (USH1 protein network component harmonin; minus strand). Cytogenetic location: 11p15.1.
Variant type: single nucleotide variant.
Coding change: c.216G>A on transcript NM_153676.4 (MANE Select); coding-DNA position 216, G replaced by A.
Protein change: p.Val72=; no amino-acid change (valine 72 retained).
Molecular consequence: synonymous variant. On other transcripts: non-coding transcript variant (1).
Genome position (GRCh38, 1-based): chr11:17,531,431, C>T on the plus strand (G>A on the coding strand, the complement: USH1C is on the minus strand). VCF-style: chr11-17531431-C-T. GRCh37 (hg19) VCF-style: chr11-17552978-C-T.
Other names: 216G-A; c.216G>A, p.Val72= (NM_001297764.2, NM_005709.4).
Identifiers: ClinVar variation 5143 (VCV000005143.39), dbSNP rs151045328, ClinGen allele CA340349.

ClinVar aggregate classification (germline): Pathogenic. Review status: criteria provided, multiple submitters, no conflicts (2 of 4 stars). 19 submissions from 18 submitters: Pathogenic (12). 7 of the submissions do not count toward it. Last evaluated 2026-06-02.

Conditions:
USH1C-related disorder. Also called: USH1C-related condition.
Rare genetic deafness. Identifiers: Orphanet 96210, MedGen C5680250.
Usher syndrome. Also called: Usher's syndrome; Usher Syndromes. Identifiers: Orphanet 886, MedGen CN469326, MeSH D052245, MONDO:0019501. Disease mechanism: loss of function.
Usher syndrome type 1C. Also called: USHER SYNDROME, TYPE I, ACADIAN VARIETY. Identifiers: Orphanet 231169, Orphanet 886, MedGen C1848604, MONDO:0010171, OMIM 276904.
Usher syndrome type 1 (USH1). Also called: RETINITIS PIGMENTOSA AND CONGENITAL DEAFNESS. Identifiers: Orphanet 231169, Orphanet 886, MedGen C1568247, MONDO:0010168, OMIM 276900.
Autosomal recessive nonsyndromic hearing loss 18A. Also called: Deafness, autosomal recessive 18A; DEAFNESS, AUTOSOMAL RECESSIVE 18. Identifiers: Orphanet 90636, MedGen C1865870, MONDO:0011192, OMIM 602092.

Allele frequency attached by ClinVar (database versions not stated): gnomAD 0.00002 and 0.00003; TOPMed 0.00002; ExAC 0.00004; gnomAD exomes 0.00004 and 0.00007; ESP Exome Variant Server 0.00015.
gnomAD v4.1: 45 of 1,613,984 alleles (0.0028%); highest among the groups gnomAD compares: Non-Finnish European, 0.0037%; no homozygotes.

Submissions 1 to 12 of 19:

PreventionGenetics, part of Exact Sciences
Classification: Pathogenic for USH1C-related condition. Last evaluated: 2026-06-02. Review status: criteria provided, single submitter. Criteria: ACMG Guidelines, 2015. Collection method: clinical testing. Allele origin: germline.
Comment: The USH1C c.216G>A is a noncoding alteration. This variant is predicted to strengthen a cryptic donor splice site (SpliceAI, Jaganathan et al. 2019. PubMed ID: 30661751). This variant has been reported in the homozygous and compound heterozygous states in individuals with Usher syndrome and has been described as a founder variant in the Acadian population (Bitner-Glindzicz et al. 2000. PubMed ID: 10973248; Roux et al. 2011. PubMed ID: 21436283; Ebermann et al. 2007. PubMed ID: 17407589; Wafa et al. 2020. PubMed ID: 33089500). A functional study using RT-PCR found that this variant produces a shortened transcript, confirming the splicing prediction algorithms (Bitner-Glindzicz et al. 2000. PubMed ID: 10973248). This variant is present in 0.0078% of alleles in individuals of European (Non-Finnish) descent in gnomAD. This variant is interpreted as pathogenic.

Natera, Inc.
Classification: Pathogenic for Usher syndrome type 1C. Last evaluated: 2026-01-22. Review status: criteria provided, single submitter. Criteria: Natera Variant Classification Schema (03/2026). Collection method: clinical testing. Allele origin: germline.
Comment: The c.216G>A variant in USH1C is a synonymous variant that does not alter the encoded amino acid at position 72 (p.V72=). This variant is rare in the general population with a frequency below the threshold expected for the associated phenotype(s). This variant has been observed in one or more individuals affected with the associated recessive disease, as either homozygous or compound heterozygous with a second variant (PMID: 17407589). Additionally, this variant has been observed to segregate in affected family members (PMID: 17407589). Given the available evidence, this variant is classified as Pathogenic.

Labcorp Genetics (formerly Invitae), Labcorp
Classification: Pathogenic. Last evaluated: 2026-01-18. Review status: criteria provided, single submitter. Criteria: Invitae Variant Classification Sherloc (09022015). Collection method: clinical testing. Allele origin: germline.
Comment: This sequence change affects codon 72 of the USH1C mRNA. It is a 'silent' change, meaning that it does not change the encoded amino acid sequence of the USH1C protein. RNA analysis indicates that this variant induces altered splicing and may result in an absent or altered protein product. This variant is present in population databases (rs151045328, gnomAD 0.008%). This variant has been observed in individuals with Usher syndrome 1C (PMID: 11810303, 15578223, 15660226, 17407589). It is commonly reported in individuals of Acadian ancestry (PMID: 17407589, 18665195). ClinVar contains an entry for this variant (Variation ID: 5143). Studies have shown that this variant results in introduction of a cryptic splice site, and produces a non-functional protein and/or introduces a premature termination codon (PMID: 10973248, 15578223). For these reasons, this variant has been classified as Pathogenic.

Blueprint Genetics
Classification: Pathogenic for USH1C-related disorders. Last evaluated: 2024-10-17. Review status: criteria provided, single submitter. Criteria: ACMG Guidelines, 2015. Collection method: clinical testing. Allele origin: germline. Affected: yes. Observed: 5 variant alleles.

Baylor Genetics
Classification: Pathogenic for Autosomal recessive nonsyndromic hearing loss 18A. Last evaluated: 2024-03-15. Review status: criteria provided, single submitter. Criteria: ACMG Guidelines, 2015. Collection method: clinical testing. Allele origin: unknown.

Women's Health and Genetics/Laboratory Corporation of America, LabCorp
Classification: Pathogenic for Usher syndrome. Last evaluated: 2022-05-16. Review status: criteria provided, single submitter. Criteria: LabCorp Variant Classification Summary - May 2015. Collection method: clinical testing. Allele origin: germline.
Comment: Variant summary: USH1C c.216G>A alters a conserved nucleotide resulting in a synonymous change. Several computational tools predict a significant impact on normal splicing: Four predict the variant strengthens a cryptic exonic 5' splice donor site located two base bairs proximal to this variant. At least one publication reports experimental evidence that this variant affects mRNA splicing due to the creation of a new splice site within exon 3 two base pairs proximal to the site of this variant (Bitner-Glindzicz_2000). The variant allele was found at a frequency of 3.6e-05 in 251060 control chromosomes. c.216G>A has been reported in the literature as a founder mutation of Acadian origin in homozygous and compound heterozygous genotypes among individuals affected with Usher Syndrome (example, Quyang_2003, Bukakowska_2014). These data indicate that the variant is very likely to be associated with disease. At least one publication reports experimental evidence from a knock in mouse model that demonstrated early onset dual impairment of vision and hearing (Lentz_2010). Eight clinical diagnostic laboratories have submitted clinical-significance assessments for this variant to ClinVar after 2014 without evidence for independent evaluation. All laboratories classified the variant as pathogenic/likely pathogenic. Based on the evidence outlined above, the variant was classified as pathogenic.

GeneDx
Classification: Pathogenic. Last evaluated: 2021-12-22. Review status: criteria provided, single submitter. Criteria: GeneDx Variant Classification Process June 2021. Collection method: clinical testing. Allele origin: germline. Affected: yes.
Comment: cDNA analysis demonstrated that the c.216 G>A variant creates a new splice site and results in an out-of-frame deletion of 35 nucleotides (Bitner Glindzicz et al., 2000; Lentz et al., 2005); This variant is associated with the following publications: (PMID: 23380860, 12630964, 17407589, 11139240, 21228398, 28041643, 10973248, 15578223, 21436283, 11810303, 29276601, 32581362, 33089500)

Fulgent Genetics
Classification: Pathogenic for Usher syndrome type 1; Usher syndrome type 1C; Autosomal recessive nonsyndromic hearing loss 18A. Last evaluated: 2021-07-29. Review status: criteria provided, single submitter. Criteria: ACMG Guidelines, 2015. Collection method: clinical testing. Allele origin: unknown.

Revvity Omics, Revvity
Classification: Pathogenic. Last evaluated: 2020-08-24. Review status: criteria provided, single submitter. Criteria: ACMG Guidelines, 2015. Collection method: clinical testing. Allele origin: germline.

Victorian Clinical Genetics Services, Murdoch Childrens Research Institute
Classification: Pathogenic for Usher syndrome type 1C. Last evaluated: 2020-05-26. Review status: criteria provided, single submitter. Criteria: ACMG Guidelines, 2015. Collection method: clinical testing. Allele origin: germline. Inheritance: Autosomal recessive inheritance. Affected: yes.
Comment: Based on the classification scheme VCGS_Germline_v1.1.1, this variant is classified as Pathogenic. Following criteria are met: 0102 - Loss-of-function is a known mechanism of disease for this gene. (N) 0106 - This gene is known to be associated with autosomal recessive disease. (N) 0209 - Splice variant (canonical or non-canonical) proven to affect splicing/expression of the transcript with uncertain effect on protein structure (exon 3 of 27) (PMID: PMID: 10973248, 15578223, 20613545). (P) 0252 - Variant is homozygous. (N) 0304 - Variant is present in gnomAD <0.01 for a recessive condition (10 heterozygotes, 0 homozygotes). (P) 0505 - Abnormal splicing is predicted by in silico tools and affected nucleotide is highly conserved. (P) 0801 - Strong previous evidence of pathogenicity in unrelated individuals. This variant is known as the Acadian allele which causes the most severe form of Usher syndrome type 1 (ClinVar, Deafness Variation Database, PMID: 29276601). (P) 1208 - Inheritance information for this variant is not currently available. (N) Legend: (P) - Pathogenic, (N) - Neutral, (B) - Benign

Eurofins Ntd Llc (ga)
Classification: Pathogenic. Last evaluated: 2014-06-27. Review status: criteria provided, single submitter. Criteria: EGL Classification Definitions 2015. Collection method: clinical testing. Allele origin: germline. Observed: 1 variant allele, 1 heterozygote.

Laboratory for Molecular Medicine, Mass General Brigham Personalized Medicine
Classification: Pathogenic for Rare genetic deafness. Last evaluated: 2012-04-30. Review status: criteria provided, single submitter. Criteria: LMM Criteria. Collection method: clinical testing. Allele origin: germline. Inheritance: Autosomal recessive inheritance. Observed: 5 variant alleles.
Comment: The c.216G>A variant in USH1C has been reported in the homozygous or compound he terozygous state in at least 70 individuals with Usher syndrome (Roux 2011, Bitn er-Glindzicz 2000, DeAngelis 2001, Ebermann 2007, Lentz 2007, Lentz 2005, Lentz 2010, Ouyang 2003, Savas 2002, Zwaenepoel 2001). The variant has been shown to c reate a cryptic splice site and produce a 35-bp deletion in the RNA transcript i n lymphoblasts. This 35-bp deletion leads to a frameshift and premature terminat ion codon 189 bases downstream. In summary, this variant meets criteria to be cl assified as pathogenic for autosomal recessive Usher syndrome.